The following is an entry in ClinVar:

NM_002474.3(MYH11):c.3710C>G (p.Ala1237Gly)

Gene: MYH11 (myosin heavy chain 11; minus strand). Cytogenetic location: 16p13.11.
Variant type: single nucleotide variant.
Coding change: c.3710C>G on transcript NM_002474.3 (MANE Select); coding-DNA position 3710, C replaced by G.
Protein change: p.Ala1237Gly; replaces alanine 1237 with glycine.
Molecular consequence: missense variant.
Genome position (GRCh38, 1-based): chr16:15,726,996, G>C on the plus strand (C>G on the coding strand, the complement: MYH11 is on the minus strand). VCF-style: chr16-15726996-G-C. GRCh37 (hg19) VCF-style: chr16-15820853-G-C.
Other names: c.3731C>G, p.Ala1244Gly (NM_001040113.2, NM_001040114.2); c.3710C>G, p.Ala1237Gly (NM_022844.3); short protein forms A1237G, A1244G.
Identifiers: ClinVar variation 2189586 (VCV002189586.5), dbSNP rs764031913, ClinGen allele CA394860220.
Genomic context (GRCh38, chr16:15,726,996, plus strand): 5'-AGCTTCTTCTTCTTATGTTCCACCTCCTGCTTGGCCTGGCCCAGGACCCGCAGCTCCCCG[G>C]CCAGGTCTGCGTTCTCTTTCTCCAGCGTCTGCTTATTCTTGTCTAGGTTCGCCTTGGCCT-3'
Protein context (NP_002465.1, residues 1227-1247): QTLEKENADL[Ala1237Gly]GELRVLGQAK

ClinVar aggregate classification (germline): Uncertain significance. Review status: criteria provided, multiple submitters, no conflicts (2 of 4 stars). 2 submissions from 2 submitters: Uncertain significance (2). Last evaluated 2023-03-08.

Conditions:
Aortic aneurysm, familial thoracic 4 (AAT4). Also called: AORTIC ANEURYSM/AORTIC DISSECTION AND PATENT DUCTUS ARTERIOSUS. Identifiers: MedGen C1851504, MONDO:0007568, OMIM 132900.

gnomAD v4.1: 2 of 1,611,836 alleles (0.00012%); no homozygotes.

Submissions (2):

GeneDx
Classification: Uncertain significance. Last evaluated: 2023-03-08. Review status: criteria provided, single submitter. Criteria: GeneDx Variant Classification Process June 2021. Collection method: clinical testing. Allele origin: germline. Affected: yes.
Comment: Not observed at significant frequency in large population cohorts (gnomAD); In silico analysis supports that this missense variant does not alter protein structure/function; Has not been previously published as pathogenic or benign to our knowledge

Labcorp Genetics (formerly Invitae), Labcorp
Classification: Uncertain significance for Aortic aneurysm, familial thoracic 4. Last evaluated: 2022-06-08. Review status: criteria provided, single submitter. Criteria: Invitae Variant Classification Sherloc (09022015). Collection method: clinical testing. Allele origin: germline.
Comment: In summary, the available evidence is currently insufficient to determine the role of this variant in disease. Therefore, it has been classified as a Variant of Uncertain Significance. Algorithms developed to predict the effect of missense changes on protein structure and function (SIFT, PolyPhen-2, Align-GVGD) all suggest that this variant is likely to be tolerated. This variant has not been reported in the literature in individuals affected with MYH11-related conditions. This variant is not present in population databases (gnomAD no frequency). This sequence change replaces alanine, which is neutral and non-polar, with glycine, which is neutral and non-polar, at codon 1244 of the MYH11 protein (p.Ala1244Gly).